The following is an entry in ClinVar:

ClinVar aggregate classification (germline): Benign. Review status: criteria provided, multiple submitters, no conflicts (2 of 4 stars). 3 submissions from 3 submitters: Benign (3). Last evaluated 2021-05-08.

Conditions:
Weill-Marchesani 4 syndrome, recessive. Also called: Weill-Marchesani syndrome 4. Identifiers: Orphanet 363992, MedGen C2750787, MONDO:0013176, OMIM 613195.

Allele frequency attached by ClinVar (database versions not stated): 1000 Genomes Project 0.58786; 1000 Genomes Project 30x 0.59400; TOPMed 0.62302; gnomAD 0.63642 and 0.64049; gnomAD exomes 0.68056.

Submissions (3):

GeneDx
Classification: Benign. Last evaluated: 2021-05-08. Review status: criteria provided, single submitter. Criteria: GeneDx Variant Classification Process June 2021. Collection method: clinical testing. Allele origin: germline. Affected: yes.

Illumina Laboratory Services, Illumina
Classification: Benign for Weill-Marchesani 4 syndrome, recessive. Last evaluated: 2018-01-13. Review status: criteria provided, single submitter. Criteria: ICSL Variant Classification Criteria 13 December 2019. Collection method: clinical testing. Allele origin: germline.
Comment: This variant was observed in the ICSL laboratory as part of a predisposition screen in an ostensibly healthy population. It had not been previously curated by ICSL or reported in the Human Gene Mutation Database (HGMD: prior to June 1st, 2018), and was therefore a candidate for classification through an automated scoring system. Utilizing variant allele frequency, disease prevalence and penetrance estimates, and inheritance mode, an automated score was calculated to assess if this variant is too frequent to cause the disease. Based on the score and internal cut-off values, a variant classified as benign is not then subjected to further curation. The score for this variant resulted in a classification of benign for this disease.

Breakthrough Genomics
Classification: Benign. Review status: criteria provided, single submitter. Criteria: ACMG Guidelines, 2015. Collection method: not provided. Allele origin: germline. Inheritance: Autosomal recessive inheritance. Affected: yes.

NM_139057.4(ADAMTS17):c.*1078G>A

Gene: ADAMTS17 (ADAM metallopeptidase with thrombospondin type 1 motif 17; minus strand). Cytogenetic location: 15q26.3.
Variant type: single nucleotide variant.
Coding change: c.*1078G>A on transcript NM_139057.4 (MANE Select); 1078 bases downstream of the stop codon, G replaced by A.
Molecular consequence: 3 prime UTR variant.
Genome position (GRCh38, 1-based): chr15:99,973,324, C>T on the plus strand (G>A on the coding strand, the complement: ADAMTS17 is on the minus strand). VCF-style: chr15-99973324-C-T. GRCh37 (hg19) VCF-style: chr15-100513529-C-T.
Identifiers: ClinVar variation 315197 (VCV000315197.7), dbSNP rs2727196, ClinGen allele CA10642848.